The following is an entry in ClinVar:

ClinVar aggregate classification (germline): Uncertain significance (1 of 4 stars; one submission).

Conditions:
Early-infantile DEE. Also called: Ohtahara syndrome; Early infantile epileptic encephalopathy with suppression bursts; Early infantile epileptic encephalopathy. Identifiers: Orphanet 1934, MedGen C0393706, MONDO:0800491.

Submission:

Labcorp Genetics (formerly Invitae), Labcorp
Classification: Uncertain significance for Early-infantile DEE. Last evaluated: 2020-08-04. Review status: criteria provided, single submitter. Criteria: Invitae Variant Classification Sherloc (09022015). Collection method: clinical testing. Allele origin: germline.
Comment: In summary, the available evidence is currently insufficient to determine the role of this variant in disease. Therefore, it has been classified as a Variant of Uncertain Significance. Algorithms developed to predict the effect of missense changes on protein structure and function are either unavailable or do not agree on the potential impact of this missense change (SIFT: "Deleterious"; PolyPhen-2: "Benign"; Align-GVGD: "Class C0"). This variant has not been reported in the literature in individuals with SCN8A-related conditions. This variant is not present in population databases (ExAC no frequency). This sequence change replaces aspartic acid with asparagine at codon 1478 of the SCN8A protein (p.Asp1478Asn). The aspartic acid residue is highly conserved and there is a small physicochemical difference between aspartic acid and asparagine.

NM_001330260.2(SCN8A):c.4432G>A (p.Asp1478Asn)

Gene: SCN8A (sodium voltage-gated channel alpha subunit 8; plus strand). Cytogenetic location: 12q13.13.
Variant type: single nucleotide variant.
Coding change: c.4432G>A on transcript NM_001330260.2 (MANE Select); coding-DNA position 4432, G replaced by A.
Protein change: p.Asp1478Asn; replaces aspartic acid 1478 with asparagine.
Molecular consequence: missense variant.
Genome position (GRCh38, 1-based): chr12:51,790,410, G>A. VCF-style: chr12-51790410-G-A. GRCh37 (hg19) VCF-style: chr12-52184194-G-A.
Other names: c.4309G>A, p.Asp1437Asn (NM_001177984.3, NM_001369788.1); c.4432G>A, p.Asp1478Asn (NM_014191.4); short protein forms D1437N, D1478N.
Identifiers: ClinVar variation 1054362 (VCV001054362.10), dbSNP rs2138911518, ClinGen allele CA384909026.